The following is an entry in ClinVar:

NM_015662.3(IFT172):c.3662G>C (p.Gly1221Ala)

Genes: IFT172 (intraflagellar transport 172; minus strand), LOC126806173 (BRD4-independent group 4 enhancer GRCh37_chr2:27676057-27677256; plus strand). Cytogenetic location: 2p23.3.
Variant type: single nucleotide variant.
Coding change: c.3662G>C on transcript NM_015662.3 (MANE Select); coding-DNA position 3662, G replaced by C.
Protein change: p.Gly1221Ala; replaces glycine 1221 with alanine.
Molecular consequence: missense variant.
Genome position (GRCh38, 1-based): chr2:27,454,031, C>G on the plus strand (G>C on the coding strand, the complement: IFT172 is on the minus strand). VCF-style: chr2-27454031-C-G. GRCh37 (hg19) VCF-style: chr2-27676898-C-G.
Other names: c.3662G>C (NM_015662.1); short protein forms G1221A.
Identifiers: ClinVar variation 999641 (VCV000999641.10), dbSNP rs1454157190, ClinGen allele CA346378255.

ClinVar aggregate classification (germline): Uncertain significance. Review status: criteria provided, multiple submitters, no conflicts (2 of 4 stars). 2 submissions from 2 submitters: Uncertain significance (2). Last evaluated 2025-03-03.

Conditions:
Inborn genetic diseases. Identifiers: MedGen C0950123, MeSH D030342.
Short-rib thoracic dysplasia 10 with or without polydactyly (SRTD10). Identifiers: Orphanet 474, MedGen C3810175, MONDO:0014284, OMIM 615630.
Retinitis pigmentosa 71 (RP71). Identifiers: Orphanet 791, MedGen C4225342, MONDO:0014618, OMIM 616394.

Submissions (2):

Ambry Genetics
Classification: Uncertain significance for Inborn genetic diseases. Last evaluated: 2025-03-03. Review status: criteria provided, single submitter. Criteria: Ambry Variant Classification Scheme 2023. Collection method: clinical testing. Allele origin: germline.

Labcorp Genetics (formerly Invitae), Labcorp
Classification: Uncertain significance for Retinitis pigmentosa 71; Short-rib thoracic dysplasia 10 with or without polydactyly. Last evaluated: 2022-02-21. Review status: criteria provided, single submitter. Criteria: Invitae Variant Classification Sherloc (09022015). Collection method: clinical testing. Allele origin: germline.
Comment: Algorithms developed to predict the effect of missense changes on protein structure and function output the following: SIFT: "Tolerated"; PolyPhen-2: "Benign"; Align-GVGD: "Class C0". The alanine amino acid residue is found in multiple mammalian species, which suggests that this missense change does not adversely affect protein function. In summary, the available evidence is currently insufficient to determine the role of this variant in disease. Therefore, it has been classified as a Variant of Uncertain Significance. ClinVar contains an entry for this variant (Variation ID: 999641). This sequence change replaces glycine, which is neutral and non-polar, with alanine, which is neutral and non-polar, at codon 1221 of the IFT172 protein (p.Gly1221Ala). This variant is present in population databases (no rsID available, gnomAD 0.003%). This variant has not been reported in the literature in individuals affected with IFT172-related conditions.